The following is an entry in ClinVar:

ClinVar aggregate classification (germline): Uncertain significance (1 of 4 stars; one submission).

Conditions:
Alpha thalassemia-X-linked intellectual disability syndrome (ATRX). Also called: ALPHA-THALASSEMIA/MENTAL RETARDATION SYNDROME, X-LINKED; ATR, NONDELETION TYPE; ATR-X syndrome; Alpha thalassemia mental retardation syndrome, nondeletion type, X-linked; XLMR hypotonic face syndrome; X-linked alpha-thalassemia-mental retardation syndrome. Identifiers: Orphanet 847, MedGen C1845055, MONDO:0010519, OMIM 301040.

Submission:

Labcorp Genetics (formerly Invitae), Labcorp
Classification: Uncertain significance for Alpha thalassemia-X-linked intellectual disability syndrome. Last evaluated: 2023-03-22. Review status: criteria provided, single submitter. Criteria: Invitae Variant Classification Sherloc (09022015). Collection method: clinical testing. Allele origin: germline.
Comment: This variant has not been reported in the literature in individuals affected with ATRX-related conditions. In summary, the available evidence is currently insufficient to determine the role of this variant in disease. Therefore, it has been classified as a Variant of Uncertain Significance. Advanced modeling of protein sequence and biophysical properties (such as structural, functional, and spatial information, amino acid conservation, physicochemical variation, residue mobility, and thermodynamic stability) performed at Invitae indicates that this missense variant is not expected to disrupt ATRX protein function. This variant is not present in population databases (gnomAD no frequency). This sequence change replaces asparagine, which is neutral and polar, with lysine, which is basic and polar, at codon 261 of the ATRX protein (p.Asn261Lys).

NM_000489.6(ATRX):c.783C>G (p.Asn261Lys)

Gene: ATRX (ATRX chromatin remodeler; minus strand). Cytogenetic location: Xq21.1.
Variant type: single nucleotide variant.
Coding change: c.783C>G on transcript NM_000489.6 (MANE Select); coding-DNA position 783, C replaced by G.
Protein change: p.Asn261Lys; replaces asparagine 261 with lysine.
Molecular consequence: missense variant.
Genome position (GRCh38, 1-based): chrX:77,684,473, G>C on the plus strand (C>G on the coding strand, the complement: ATRX is on the minus strand). VCF-style: chrX-77684473-G-C. GRCh37 (hg19) VCF-style: chrX-76939965-G-C.
Other names: c.669C>G, p.Asn223Lys (NM_138270.5); short protein forms N223K, N261K.
Identifiers: ClinVar variation 2885698 (VCV002885698.3), dbSNP rs2071442572, ClinGen allele CA413720668.